The following is an entry in ClinVar:

NM_025137.4(SPG11):c.833A>T (p.Asn278Ile)

Gene: SPG11 (SPG11 vesicle trafficking associated, spatacsin; minus strand). Cytogenetic location: 15q21.1.
Variant type: single nucleotide variant.
Coding change: c.833A>T on transcript NM_025137.4 (MANE Select); coding-DNA position 833, A replaced by T.
Protein change: p.Asn278Ile; replaces asparagine 278 with isoleucine.
Molecular consequence: missense variant.
Genome position (GRCh38, 1-based): chr15:44,657,131, T>A on the plus strand (A>T on the coding strand, the complement: SPG11 is on the minus strand). VCF-style: chr15-44657131-T-A. GRCh37 (hg19) VCF-style: chr15-44949329-T-A.
Other names: c.833A>T, p.Asn278Ile (NM_001160227.2); short protein forms N278I.
Identifiers: ClinVar variation 241600 (VCV000241600.18), dbSNP rs75309308, ClinGen allele CA7535710.

ClinVar aggregate classification (germline): Uncertain significance. Review status: criteria provided, multiple submitters, no conflicts (2 of 4 stars). 9 submissions from 7 submitters: Uncertain significance (9). Last evaluated 2026-01-07.

Conditions:
Charcot-Marie-Tooth disease axonal type 2X. Also called: CHARCOT-MARIE-TOOTH DISEASE, AXONAL, AUTOSOMAL RECESSIVE, TYPE 2X; CHARCOT-MARIE-TOOTH NEUROPATHY, TYPE 2X. Identifiers: Orphanet 466775, MedGen C5569024, MONDO:0014726, OMIM 616668.
Hereditary spastic paraplegia 11. Also called: Spastic paraplegia, mental retardation and thin corpus callosum; SPASTIC PARAPLEGIA, AUTOSOMAL RECESSIVE, COMPLICATED, WITH THIN CORPUS CALLOSUM; SPASTIC PARAPLEGIA, AUTOSOMAL RECESSIVE, WITH MENTAL IMPAIRMENT AND THIN CORPUS CALLOSUM; Spastic Paraplegia 11; Nakamura Osame syndrome; Autosomal recessive hereditary spastic paraplegia, mental impairment, and thin corpus callosum. Identifiers: Orphanet 2822, MedGen C1858479, MONDO:0011445, OMIM 604360.
Inborn genetic diseases. Identifiers: MedGen C0950123, MeSH D030342.
Amyotrophic lateral sclerosis type 5 (ALS5). Also called: AMYOTROPHIC LATERAL SCLEROSIS 5, JUVENILE. Identifiers: Orphanet 300605, MedGen C1865864, MONDO:0011196, OMIM 602099.

Allele frequency attached by ClinVar (database versions not stated): 1000 Genomes Project 30x 0.00016; TOPMed 0.00016.
gnomAD v4.1: 214 of 1,614,046 alleles (0.013%); highest among the groups gnomAD compares: Non-Finnish European, 0.017%; no homozygotes.

Submissions (9):

GeneDx
Classification: Uncertain significance. Last evaluated: 2026-01-07. Review status: criteria provided, single submitter. Criteria: GeneDx Variant Classification Process June 2021. Collection method: clinical testing. Allele origin: germline. Affected: yes.
Comment: In silico analysis supports that this missense variant has a deleterious effect on protein structure/function; Has not been previously published as pathogenic or benign to our knowledge

Mayo Clinic Laboratories, Mayo Clinic
Classification: Uncertain significance. Last evaluated: 2025-07-19. Review status: criteria provided, single submitter. Criteria: ACMG Guidelines, 2015. Collection method: clinical testing. Allele origin: germline. Observed: 2 variant alleles.
Comment: BP4_moderate

Athena Diagnostics
Classification: Uncertain significance. Last evaluated: 2024-09-03. Review status: criteria provided, single submitter. Criteria: Athena Diagnostics Criteria. Collection method: clinical testing. Allele origin: unknown.
Comment: Available data are insufficient to determine the clinical significance of the variant at this time. The frequency of this variant in the general population is uninformative in assessment of its pathogenicity. Polyphen and MutationTaster predict this amino acid change may be benign.

Ambry Genetics
Classification: Uncertain significance for Inborn genetic diseases. Last evaluated: 2023-04-27. Review status: criteria provided, single submitter. Criteria: Ambry Variant Classification Scheme 2023. Collection method: clinical testing. Allele origin: germline.

Labcorp Genetics (formerly Invitae), Labcorp
Classification: Uncertain significance for Hereditary spastic paraplegia 11. Last evaluated: 2022-09-27. Review status: criteria provided, single submitter. Criteria: Invitae Variant Classification Sherloc (09022015). Collection method: clinical testing. Allele origin: germline.
Comment: This sequence change replaces asparagine, which is neutral and polar, with isoleucine, which is neutral and non-polar, at codon 278 of the SPG11 protein (p.Asn278Ile). This variant is present in population databases (rs75309308, gnomAD 0.04%). This variant has not been reported in the literature in individuals affected with SPG11-related conditions. ClinVar contains an entry for this variant (Variation ID: 241600). Advanced modeling of protein sequence and biophysical properties (such as structural, functional, and spatial information, amino acid conservation, physicochemical variation, residue mobility, and thermodynamic stability) performed at Invitae indicates that this missense variant is not expected to disrupt SPG11 protein function. In summary, the available evidence is currently insufficient to determine the role of this variant in disease. Therefore, it has been classified as a Variant of Uncertain Significance.

CeGaT Center for Human Genetics Tuebingen
Classification: Uncertain significance. Last evaluated: 2017-10-31. Review status: criteria provided, single submitter. Criteria: Praxis fuer Humangenetik Tuebingen - Variant Classification Criteria. Collection method: clinical testing. Allele origin: germline. Affected: yes. Observed: 2 variant alleles.

Genome-Nilou Lab
Classification: Uncertain significance for Amyotrophic lateral sclerosis type 5. Review status: criteria provided, single submitter. Criteria: ACMG Guidelines, 2015. Collection method: clinical testing. Allele origin: germline.

Genome-Nilou Lab
Classification: Uncertain significance for Charcot-Marie-Tooth disease axonal type 2X. Review status: criteria provided, single submitter. Criteria: ACMG Guidelines, 2015. Collection method: clinical testing. Allele origin: germline.

Genome-Nilou Lab
Classification: Uncertain significance for Hereditary spastic paraplegia 11. Review status: criteria provided, single submitter. Criteria: ACMG Guidelines, 2015. Collection method: clinical testing. Allele origin: germline.

Literature cited by the submitters: PubMed 39044379 (cited by Athena Diagnostics); PubMed 28132690 (cited by Ambry Genetics).